The following is an entry in ClinVar:

ClinVar aggregate classification (germline): Uncertain significance/Uncertain risk allele. Review status: criteria provided, multiple submitters, no conflicts (2 of 4 stars). 3 submissions from 3 submitters: Uncertain significance (2); Uncertain risk allele (1). Last evaluated 2021-09-17.

Conditions:
Nonpapillary renal cell carcinoma. Identifiers: Orphanet 422526, MedGen CN074294, MONDO:0007763, OMIM 144700.
Maturity-onset diabetes of the young (MODY). Also called: Maturity onset diabetes mellitus in young. Identifiers: Orphanet 552, MedGen C0342276, MONDO:0018911, HP:0004904.

Allele frequency attached by ClinVar (database versions not stated): gnomAD exomes below 0.00001; gnomAD 0.00001; TOPMed 0.00002.
gnomAD v4.1: 4 of 1,612,588 alleles (0.00025%); highest among the groups gnomAD compares: African/African-American, 0.0027%; no homozygotes.

Submissions (3):

Labcorp Genetics (formerly Invitae), Labcorp
Classification: Uncertain significance. Last evaluated: 2021-09-17. Review status: criteria provided, single submitter. Criteria: Invitae Variant Classification Sherloc (09022015). Collection method: clinical testing. Allele origin: germline.
Comment: This sequence change replaces methionine with threonine at codon 493 of the HNF1A protein (p.Met493Thr). The methionine residue is highly conserved and there is a moderate physicochemical difference between methionine and threonine. This variant is not present in population databases (ExAC no frequency). This variant has been observed in individual(s) with diabetes (Invitae). ClinVar contains an entry for this variant (Variation ID: 997653). Advanced modeling of protein sequence and biophysical properties (such as structural, functional, and spatial information, amino acid conservation, physicochemical variation, residue mobility, and thermodynamic stability) performed at Invitae indicates that this missense variant is expected to disrupt HNF1A protein function. In summary, the available evidence is currently insufficient to determine the role of this variant in disease. Therefore, it has been classified as a Variant of Uncertain Significance.

Baylor Genetics
Classification: Uncertain significance for Nonpapillary renal cell carcinoma. Last evaluated: 2020-12-22. Review status: criteria provided, single submitter. Criteria: ACMG Guidelines, 2015. Collection method: clinical testing. Allele origin: unknown. Affected: yes. Study: CSER-TexasKidsCanSeq.
Comment: This variant was determined to be of uncertain significance according to ACMG Guidelines, 2015 [PMID:25741868].

Clinical Genomics, Uppaluri K&H Personalized Medicine Clinic
Classification: Uncertain risk allele for Maturity-onset diabetes of the young. Review status: criteria provided, single submitter. Criteria: K & H Uppaluri Personalized Medicine Clinic Variant Classification & Assertion Criteria_Updated V.1. Collection method: research. Allele origin: unknown. Inheritance: Autosomal dominant inheritance.
Comment: Mutations in HNF1A gene can predispose to MODY3. It is associated with both micro and macrovascular complications of diabetes, especially cardiovascular complications. Associated with glucosuria. May respond well to sulfonylureas. However, more evidence is required to confer the association of this particular variant rs1002380887 with MODY3.

Literature cited by the submitters: PubMed 31517624 (cited by Clinical Genomics, Uppaluri K&H Personalized Medicine Clinic); PubMed 35328643 (cited by Clinical Genomics, Uppaluri K&H Personalized Medicine Clinic); PubMed 32395877 (cited by Clinical Genomics, Uppaluri K&H Personalized Medicine Clinic); PubMed 35673428 (cited by Clinical Genomics, Uppaluri K&H Personalized Medicine Clinic).

NM_000545.8(HNF1A):c.1478T>C (p.Met493Thr)

Gene: HNF1A (HNF1 homeobox A; plus strand). Cytogenetic location: 12q24.31.
Variant type: single nucleotide variant.
Coding change: c.1478T>C on transcript NM_000545.8 (MANE Select); coding-DNA position 1478, T replaced by C.
Protein change: p.Met493Thr; replaces methionine 493 with threonine.
Molecular consequence: missense variant.
Genome position (GRCh38, 1-based): chr12:120,997,642, T>C. VCF-style: chr12-120997642-T-C. GRCh37 (hg19) VCF-style: chr12-121435445-T-C.
Other names: c.1478T>C, p.Met493Thr (NM_001306179.2); short protein forms M493T.
Identifiers: ClinVar variation 997653 (VCV000997653.8), dbSNP rs1002380887, ClinGen allele CA244535115.